The following is an entry in ClinVar:

NM_005120.3(MED12):c.4091A>G (p.Gln1364Arg)

Gene: MED12 (mediator complex subunit 12; plus strand). Cytogenetic location: Xq13.1.
Variant type: single nucleotide variant.
Coding change: c.4091A>G on transcript NM_005120.3 (MANE Select); coding-DNA position 4091, A replaced by G.
Protein change: p.Gln1364Arg; replaces glutamine 1364 with arginine.
Molecular consequence: missense variant.
Genome position (GRCh38, 1-based): chrX:71,131,593, A>G. VCF-style: chrX-71131593-A-G. GRCh37 (hg19) VCF-style: chrX-70351443-A-G.
Other names: short protein forms Q1364R.
Identifiers: ClinVar variation 3343409 (VCV003343409.1).
Genomic context (GRCh38, chrX:71,131,593, plus strand): 5'-TGGGGCCTCTATCACAGAACTTGGACCAGTGGACCATGCGCCAGTCTTCCTTGGAGCTGC[A>G]GCTCATGATCAAGCAGACCCCTAACAATGTGAGTAGTGCCTGGACCCTCCCTTTCCTGTG-3'
Protein context (NP_005111.2, residues 1354-1374): WTMRQSSLEL[Gln1364Arg]LMIKQTPNNE

ClinVar aggregate classification (germline): Uncertain significance (1 of 4 stars; one submission).

gnomAD v4.1: 2 of 1,211,060 alleles (0.00017%); highest among the groups gnomAD compares: Non-Finnish European, 0.00022%; no homozygotes.

Submission:

GeneDx
Classification: Uncertain significance. Last evaluated: 2023-05-15. Review status: criteria provided, single submitter. Criteria: GeneDx Variant Classification Process June 2021. Collection method: clinical testing. Allele origin: germline. Affected: yes.
Comment: Not observed at significant frequency in large population cohorts (gnomAD); In silico analysis supports that this missense variant has a deleterious effect on protein structure/function; Has not been previously published as pathogenic or benign to our knowledge